The following is an entry in ClinVar:

ClinVar aggregate classification (germline): Benign/Likely benign. Review status: criteria provided, multiple submitters, no conflicts (2 of 4 stars). 5 submissions from 5 submitters: Benign (2); Likely benign (2). 1 of the submissions does not count toward it. Last evaluated 2026-02-01.

Conditions:
KIF23-related disorder. Also called: KIF23-related condition.

Allele frequency attached by ClinVar (database versions not stated): ExAC 0.00185; gnomAD 0.00518 and 0.00547; TOPMed 0.00555; ESP Exome Variant Server 0.00623; 1000 Genomes Project 0.00759; 1000 Genomes Project 30x 0.00765.
gnomAD v4.1: 1,548 of 1,611,926 alleles (0.096%); highest among the groups gnomAD compares: African/African-American, 1.8%; 9 homozygotes.

Submissions (5):

Labcorp Genetics (formerly Invitae), Labcorp
Classification: Benign. Last evaluated: 2026-02-01. Review status: criteria provided, single submitter. Criteria: Invitae Variant Classification Sherloc (09022015). Collection method: clinical testing. Allele origin: germline.

Mayo Clinic Laboratories, Mayo Clinic
Classification: Likely benign. Last evaluated: 2025-11-04. Review status: criteria provided, single submitter. Criteria: ACMG Guidelines, 2015. Collection method: clinical testing. Allele origin: germline. Observed: 14 variant alleles.
Comment: BP4

Blueprint Genetics
Classification: Likely benign. Last evaluated: 2024-11-13. Review status: criteria provided, single submitter. Criteria: ACMG Guidelines, 2015. Collection method: clinical testing. Allele origin: germline.

Breakthrough Genomics
Classification: Benign. Review status: criteria provided, single submitter. Criteria: ACMG Guidelines, 2015. Collection method: not provided. Allele origin: germline. Inheritance: Autosomal dominant inheritance. Affected: yes.

PreventionGenetics, part of Exact Sciences
Classification: Benign for KIF23-related condition. Last evaluated: 2019-05-23. Review status: no assertion criteria provided. Collection method: clinical testing. Allele origin: germline. Not counted in ClinVar's aggregate classification.
Comment: This variant is classified as benign based on ACMG/AMP sequence variant interpretation guidelines (Richards et al. 2015 PMID: 25741868, with internal and published modifications).

NM_001367805.3(KIF23):c.230A>G (p.Gln77Arg)

Gene: KIF23 (kinesin family member 23; plus strand). Cytogenetic location: 15q23.
Variant type: single nucleotide variant.
Coding change: c.230A>G on transcript NM_001367805.3 (MANE Select); coding-DNA position 230, A replaced by G.
Protein change: p.Gln77Arg; replaces glutamine 77 with arginine.
Molecular consequence: missense variant. On other transcripts: non-coding transcript variant (2).
Genome position (GRCh38, 1-based): chr15:69,421,666, A>G. VCF-style: chr15-69421666-A-G. GRCh37 (hg19) VCF-style: chr15-69714005-A-G.
Other names: p.Gln77Arg; c.37A>G, p.Lys13Glu (NM_001281301.2); c.230A>G, p.Gln77Arg (NM_001367804.2, NM_004856.7, NM_138555.4); short protein forms K13E, Q77R.
Identifiers: ClinVar variation 710300 (VCV000710300.14), dbSNP rs150290143, ClinGen allele CA7634850.
Genomic context (GRCh38, chr15:69,421,666, plus strand): 5'-TAGTGGAATTCTATTTAGTGCATTTTTTTCTCTCTCCACAGACTCAGTATTCATTTAAAC[A>G]AGTATTTGGCACTCACACCACCCAGAAGGAACTCTTTGATGTTGTGGCTAATCCCTTGGT-3'
Protein context (NP_001354734.1, residues 67-87): DYKETQYSFK[Gln77Arg]VFGTHTTQKE